The following is an entry in ClinVar:

ClinVar aggregate classification (germline): Uncertain significance. Review status: criteria provided, multiple submitters, no conflicts (2 of 4 stars). 2 submissions from 2 submitters: Uncertain significance (2). Last evaluated 2023-10-10.

Conditions:
Hereditary pheochromocytoma and paraganglioma. Also called: Hereditary paragangliomas and pheochromocytomas; Hereditary Paraganglioma-Pheochromocytoma Syndromes; Hereditary pheochromocytoma-paraganglioma. Identifiers: Orphanet 29072, MedGen C4274332, MONDO:0017366.
Hereditary cancer-predisposing syndrome. Also called: Tumor predisposition; Hereditary Cancer Syndrome; Hereditary neoplastic syndrome; Neoplastic Syndromes, Hereditary. Identifiers: Orphanet 140162, MedGen C0027672, MeSH D009386, MONDO:0015356.

Submissions (2):

Ambry Genetics
Classification: Uncertain significance for Hereditary cancer-predisposing syndrome. Last evaluated: 2023-10-10. Review status: criteria provided, single submitter. Criteria: Ambry Variant Classification Scheme 2023. Collection method: clinical testing. Allele origin: germline.
Comment: The p.Y70C variant (also known as c.209A>G), located in coding exon 4 of the MAX gene, results from an A to G substitution at nucleotide position 209. The tyrosine at codon 70 is replaced by cysteine, an amino acid with highly dissimilar properties. This amino acid position is conserved. In addition, this alteration is predicted to be deleterious by in silico analysis. Since supporting evidence is limited at this time, the clinical significance of this alteration remains unclear.

Labcorp Genetics (formerly Invitae), Labcorp
Classification: Uncertain significance for Hereditary pheochromocytoma and paraganglioma. Last evaluated: 2023-04-17. Review status: criteria provided, single submitter. Criteria: Invitae Variant Classification Sherloc (09022015). Collection method: clinical testing. Allele origin: germline.
Comment: In summary, the available evidence is currently insufficient to determine the role of this variant in disease. Therefore, it has been classified as a Variant of Uncertain Significance. An algorithm developed to predict the effect of missense changes on protein structure and function (PolyPhen-2) suggests that this variant is likely to be tolerated. ClinVar contains an entry for this variant (Variation ID: 1387835). This variant has not been reported in the literature in individuals affected with MAX-related conditions. This variant is not present in population databases (gnomAD no frequency). This sequence change replaces tyrosine, which is neutral and polar, with cysteine, which is neutral and slightly polar, at codon 70 of the MAX protein (p.Tyr70Cys).

NM_002382.5(MAX):c.209A>G (p.Tyr70Cys)

Gene: MAX (MYC associated transcriptional regulator X; minus strand). Cytogenetic location: 14q23.3.
Variant type: single nucleotide variant.
Coding change: c.209A>G on transcript NM_002382.5 (MANE Select); coding-DNA position 209, A replaced by G.
Protein change: p.Tyr70Cys; replaces tyrosine 70 with cysteine.
Molecular consequence: missense variant. On other transcripts: 5 prime UTR variant (1), intron variant (2).
Genome position (GRCh38, 1-based): chr14:65,077,999, T>C on the plus strand (A>G on the coding strand, the complement: MAX is on the minus strand). VCF-style: chr14-65077999-T-C. GRCh37 (hg19) VCF-style: chr14-65544717-T-C.
Other names: c.-66A>G (NM_001320415.2, NM_001407105.1, NM_001407106.1 and 1 more transcripts); c.209A>G, p.Tyr70Cys (NM_001407094.1, NM_001407096.1, NM_001407097.1 and 3 more transcripts); c.182A>G, p.Tyr61Cys (NM_001407095.1, NM_001407099.1, NM_001407100.1 and 6 more transcripts); c.101A>G, p.Tyr34Cys (NM_001407098.1); c.-159A>G (NM_001407111.1, NM_001407112.1); c.144+15709A>G (NM_001271069.2); c.171+15709A>G (NM_197957.4); short protein forms Y61C, Y70C, Y34C.
Identifiers: ClinVar variation 1387835 (VCV001387835.8), dbSNP rs2139755062, ClinGen allele CA390035851.